The following is an entry in ClinVar:

ClinVar aggregate classification (germline): Uncertain significance (1 of 4 stars; one submission).

Conditions:
Ellis-van Creveld syndrome (EVC). Also called: EVC-Related Ellis-van Creveld Syndrome; EVC2-Related Ellis-van Creveld Syndrome; MESOECTODERMAL DYSPLASIA; Chondroectodermal dysplasia. Identifiers: Orphanet 289, MedGen C0013903, MONDO:0009162, OMIM 225500.
Curry-Hall syndrome (WAD). Also called: WEYERS ACRODENTAL DYSOSTOSIS. Identifiers: Orphanet 952, MedGen C0457013, MONDO:0008673, OMIM 193530.

gnomAD v4.1: 3 of 1,561,926 alleles (0.00019%); highest among the groups gnomAD compares: South Asian, 0.0012%; no homozygotes.

Submission:

Labcorp Genetics (formerly Invitae), Labcorp
Classification: Uncertain significance for Curry-Hall syndrome; Ellis-van Creveld syndrome. Last evaluated: 2022-09-12. Review status: criteria provided, single submitter. Criteria: Invitae Variant Classification Sherloc (09022015). Collection method: clinical testing. Allele origin: germline.
Comment: Algorithms developed to predict the effect of missense changes on protein structure and function output the following: SIFT: "Tolerated"; PolyPhen-2: "Benign"; Align-GVGD: "Class C0". The leucine amino acid residue is found in multiple mammalian species, which suggests that this missense change does not adversely affect protein function. In summary, the available evidence is currently insufficient to determine the role of this variant in disease. Therefore, it has been classified as a Variant of Uncertain Significance. This variant has not been reported in the literature in individuals affected with EVC2-related conditions. This variant is not present in population databases (gnomAD no frequency). This sequence change replaces valine, which is neutral and non-polar, with leucine, which is neutral and non-polar, at codon 1182 of the EVC2 protein (p.Val1182Leu).

NM_147127.5(EVC2):c.3544G>C (p.Val1182Leu)

Gene: EVC2 (EvC ciliary complex subunit 2; minus strand). Cytogenetic location: 4p16.2.
Variant type: single nucleotide variant.
Coding change: c.3544G>C on transcript NM_147127.5 (MANE Select); coding-DNA position 3544, G replaced by C.
Protein change: p.Val1182Leu; replaces valine 1182 with leucine.
Molecular consequence: missense variant.
Genome position (GRCh38, 1-based): chr4:5,568,457, C>G on the plus strand (G>C on the coding strand, the complement: EVC2 is on the minus strand). VCF-style: chr4-5568457-C-G. GRCh37 (hg19) VCF-style: chr4-5570184-C-G.
Other names: c.3304G>C, p.Val1102Leu (NM_001166136.2); short protein forms V1102L, V1182L.
Identifiers: ClinVar variation 2178263 (VCV002178263.4), dbSNP rs144511301, ClinGen allele CA356148909.
Genomic context (GRCh38, chr4:5,568,457, plus strand): 5'-TGTGGACAGGGACGTGCCCCGGGAGGCAGCCCCTCCACGGCACTCACCTCCGCCTGCCCA[C>G]GTCGGCCTGCTCCGCTCCGCCATCGCTCTCAGCTGCGTGGTCCACATGTCTCTCGGTGGC-3'
Protein context (NP_667338.3, residues 1172-1192): ESDGGAEQAD[Val1182Leu]GRRRKHQSWW